The following is an entry in ClinVar:

NM_004304.5(ALK):c.2055CAC[1] (p.Thr687del)

Gene: ALK (ALK receptor tyrosine kinase; minus strand). Cytogenetic location: 2p23.2.
Variant type: Microsatellite.
Coding change: c.2055CAC[1] on transcript NM_004304.5 (MANE Select); one copy of the 3-base unit CAC starting at c.2055; the reference has two copies in a row; one copy, 3 bases deleted.
Protein change: p.Thr687del; deletes threonine 687.
Molecular consequence: inframe deletion.
Genome position (GRCh38, 1-based): chr2:29,251,249-29,251,251, GTG deleted on the plus strand (CAC on the coding strand, the reverse complement: ALK is on the minus strand); deleting any 3 consecutive bases within chr2:29,251,249-29,251,254 gives the same sequence; the position shown is the placement nearest the transcript's 3' end. VCF-style (leftmost placement, unchanged base first): chr2-29251248-TGTG-T. GRCh37 (hg19) VCF-style: chr2-29474114-TGTG-T.
Other names: c.2058_2060delCAC (NM_004304.4); short protein forms T687del.
Identifiers: ClinVar variation 1392969 (VCV001392969.7), dbSNP rs2148197659, ClinGen allele CA2576925597.

ClinVar aggregate classification (germline): Uncertain significance. Review status: criteria provided, multiple submitters, no conflicts (2 of 4 stars). 2 submissions from 2 submitters: Uncertain significance (2). Last evaluated 2026-08-11.

Conditions:
Hereditary cancer-predisposing syndrome. Also called: Hereditary Cancer Syndrome; Neoplastic Syndromes, Hereditary; Hereditary neoplastic syndrome; Tumor predisposition. Identifiers: Orphanet 140162, MedGen C0027672, MeSH D009386, MONDO:0015356.
Neuroblastoma, susceptibility to, 3. Also called: ALK-Related Neuroblastic Tumor Susceptibility. Identifiers: Orphanet 635, MedGen C2751681, MONDO:0013083, OMIM 613014.

Submissions (2):

Ambry Genetics
Classification: Uncertain significance for Hereditary cancer-predisposing syndrome. Last evaluated: 2026-08-11. Review status: criteria provided, single submitter. Criteria: Ambry Variant Classification Scheme 2023. Collection method: clinical testing. Allele origin: germline.
Comment: The c.2058_2060delCAC variant (also known as p.T687del) is located in coding exon 12 of the ALK gene. This variant results from an in-frame CAC deletion at nucleotide positions 2058 to 2060. This results in the in-frame deletion of a threonine at codon 687. This amino acid position is well conserved in available vertebrate species. In addition, this variant is predicted to be deleterious by in silico analysis (Choi Y et al. PLoS ONE. 2012; 7(10):e46688). Based on the available evidence, the clinical significance of this variant remains unclear.

Labcorp Genetics (formerly Invitae), Labcorp
Classification: Uncertain significance for Neuroblastoma, susceptibility to, 3. Last evaluated: 2021-11-13. Review status: criteria provided, single submitter. Criteria: Invitae Variant Classification Sherloc (09022015). Collection method: clinical testing. Allele origin: germline.
Comment: In summary, the available evidence is currently insufficient to determine the role of this variant in disease. Therefore, it has been classified as a Variant of Uncertain Significance. Experimental studies and prediction algorithms are not available or were not evaluated, and the functional significance of this variant is currently unknown. This variant has not been reported in the literature in individuals affected with ALK-related conditions. This variant is not present in population databases (gnomAD no frequency). This variant, c.2058_2060del, results in the deletion of 1 amino acid(s) of the ALK protein (p.Thr687del), but otherwise preserves the integrity of the reading frame.